The following is an entry in ClinVar:

ClinVar aggregate classification (germline): Uncertain significance. Review status: criteria provided, multiple submitters, no conflicts (2 of 4 stars). 2 submissions from 2 submitters: Uncertain significance (2). Last evaluated 2026-01-08.

Conditions:
Hereditary cancer-predisposing syndrome. Also called: Neoplastic Syndromes, Hereditary; Tumor predisposition; Hereditary neoplastic syndrome; Hereditary Cancer Syndrome. Identifiers: Orphanet 140162, MedGen C0027672, MeSH D009386, MONDO:0015356.

Allele frequency attached by ClinVar (database versions not stated): gnomAD exomes below 0.00001.
gnomAD v4.1: 1 of 1,612,998 alleles (0.000062%); highest among the groups gnomAD compares: Admixed American, 0.0017%; no homozygotes.

Submissions (2):

Ambry Genetics
Classification: Uncertain significance for Hereditary cancer-predisposing syndrome. Last evaluated: 2026-01-08. Review status: criteria provided, single submitter. Criteria: Ambry Variant Classification Scheme 2023. Collection method: clinical testing. Allele origin: germline.
Comment: The c.2561+5G>A intronic variant results from a G to A substitution 5 nucleotides after coding exon 22 in the POLE gene. This nucleotide position is highly conserved in available vertebrate species. In silico splice site analysis predicts that this alteration may weaken the native splice donor site. Based on the available evidence, the clinical significance of this variant remains unclear.

Labcorp Genetics (formerly Invitae), Labcorp
Classification: Uncertain significance. Last evaluated: 2025-10-02. Review status: criteria provided, single submitter. Criteria: Invitae Variant Classification Sherloc (09022015). Collection method: clinical testing. Allele origin: germline.
Comment: This sequence change falls in intron 22 of the POLE gene. It does not directly change the encoded amino acid sequence of the POLE protein. It affects a nucleotide within the consensus splice site. This variant is not present in population databases (gnomAD no frequency). This variant has not been reported in the literature in individuals affected with POLE-related conditions. ClinVar contains an entry for this variant (Variation ID: 473539). Variants that disrupt the consensus splice site are a relatively common cause of aberrant splicing (PMID: 17576681, 9536098). Studies have shown that this variant is associated with inconclusive levels of altered splicing (internal data). In summary, the available evidence is currently insufficient to determine the role of this variant in disease. Therefore, it has been classified as a Variant of Uncertain Significance.

Literature cited by the submitters: PubMed 17576681 (cited by Labcorp Genetics (formerly Invitae), Labcorp); PubMed 9536098 (cited by Labcorp Genetics (formerly Invitae), Labcorp).

NM_006231.4(POLE):c.2561+5G>A

Gene: POLE (DNA polymerase epsilon, catalytic subunit; minus strand). Cytogenetic location: 12q24.33.
Variant type: single nucleotide variant.
Coding change: c.2561+5G>A on transcript NM_006231.4 (MANE Select); 5 bases into the intron after coding-DNA position 2561, G replaced by A.
Molecular consequence: intron variant.
Genome position (GRCh38, 1-based): chr12:132,664,365, C>T on the plus strand (G>A on the coding strand, the complement: POLE is on the minus strand). VCF-style: chr12-132664365-C-T. GRCh37 (hg19) VCF-style: chr12-133240951-C-T.
Identifiers: ClinVar variation 473539 (VCV000473539.15), dbSNP rs1555226494, ClinGen allele CA658658196.